The following is an entry in ClinVar:

ClinVar aggregate classification (germline): Uncertain significance (1 of 4 stars; one submission).

Conditions:
Cardiovascular phenotype. Identifiers: MedGen CN230736.

Submission:

Ambry Genetics
Classification: Uncertain significance for Cardiovascular phenotype. Last evaluated: 2026-08-19. Review status: criteria provided, single submitter. Criteria: Ambry Variant Classification Scheme 2023. Collection method: clinical testing. Allele origin: germline.
Comment: The p.G98S variant (also known as c.292G>A), located in coding exon 2 of the COL1A1 gene, results from a G to A substitution at nucleotide position 292. The glycine at codon 98 is replaced by serine, an amino acid with similar properties. This amino acid position is conserved. In addition, this alteration is predicted to be tolerated by in silico analysis. Based on the available evidence, the clinical significance of this variant remains unclear.

NM_000088.4(COL1A1):c.292G>A (p.Gly98Ser)

Gene: COL1A1 (collagen type I alpha 1 chain; minus strand). Cytogenetic location: 17q21.33.
Variant type: single nucleotide variant.
Coding change: c.292G>A on transcript NM_000088.4 (MANE Select); coding-DNA position 292, G replaced by A.
Protein change: p.Gly98Ser; replaces glycine 98 with serine.
Molecular consequence: missense variant.
Genome position (GRCh38, 1-based): chr17:50,199,759, C>T on the plus strand (G>A on the coding strand, the complement: COL1A1 is on the minus strand). VCF-style: chr17-50199759-C-T. GRCh37 (hg19) VCF-style: chr17-48277120-C-T.
Other names: short protein forms G98S.
Identifiers: ClinVar variation 5034692 (VCV005034692.1).